The following is an entry in ClinVar:

ClinVar aggregate classification (germline): Uncertain significance (1 of 4 stars; one submission).

Submission:

GeneDx
Classification: Uncertain significance. Last evaluated: 2023-03-18. Review status: criteria provided, single submitter. Criteria: GeneDx Variant Classification Process June 2021. Collection method: clinical testing. Allele origin: germline. Affected: yes.
Comment: Not observed at significant frequency in large population cohorts (gnomAD); In silico analysis supports that this missense variant has a deleterious effect on protein structure/function; Has not been previously published as pathogenic or benign to our knowledge

NM_006766.5(KAT6A):c.745A>G (p.Thr249Ala)

Gene: KAT6A (lysine acetyltransferase 6A; minus strand). Cytogenetic location: 8p11.21.
Variant type: single nucleotide variant.
Coding change: c.745A>G on transcript NM_006766.5 (MANE Select); coding-DNA position 745, A replaced by G.
Protein change: p.Thr249Ala; replaces threonine 249 with alanine.
Molecular consequence: missense variant.
Genome position (GRCh38, 1-based): chr8:41,981,919, T>C on the plus strand (A>G on the coding strand, the complement: KAT6A is on the minus strand). VCF-style: chr8-41981919-T-C. GRCh37 (hg19) VCF-style: chr8-41839437-T-C.
Other names: c.745A>G, p.Thr249Ala (NM_001305878.2); short protein forms T249A.
Identifiers: ClinVar variation 2580640 (VCV002580640.1), dbSNP rs2486826818, ClinGen allele CA371173975.